The following is an entry in ClinVar:

NM_001288705.3(CSF1R):c.663G>A (p.Gln221=)

Genes: CSF1R (colony stimulating factor 1 receptor; minus strand), LOC111188154 (RORalpha allelically-responsive CSF1R enhancer; plus strand). Cytogenetic location: 5q32.
Variant type: single nucleotide variant.
Coding change: c.663G>A on transcript NM_001288705.3 (MANE Select); coding-DNA position 663, G replaced by A.
Protein change: p.Gln221=; no amino-acid change (glutamine 221 retained).
Molecular consequence: synonymous variant. On other transcripts: non-coding transcript variant (2).
Genome position (GRCh38, 1-based): chr5:150,078,178, C>T on the plus strand (G>A on the coding strand, the complement: CSF1R is on the minus strand). VCF-style: chr5-150078178-C-T. GRCh37 (hg19) VCF-style: chr5-149457741-C-T.
Other names: c.663G>A, p.Gln221= (NM_001349736.2, NM_001375320.1, NM_005211.4); c.219G>A, p.Gln73= (NM_001375321.1).
Identifiers: ClinVar variation 4821812 (VCV004821812.4).

ClinVar aggregate classification (germline): Likely benign (1 of 4 stars; one submission).

gnomAD v4.1: 49 of 1,614,158 alleles (0.003%); highest among the groups gnomAD compares: Non-Finnish European, 0.0037%; no homozygotes.

Submission:

CeGaT Center for Human Genetics Tuebingen
Classification: Likely benign. Last evaluated: 2026-03-01. Review status: criteria provided, single submitter. Criteria: CeGaT Center For Human Genetics Tuebingen Variant Classification Criteria Version 2. Collection method: clinical testing. Allele origin: germline. Affected: yes. Observed: 1 variant allele.
Comment: CSF1R: BP4, BP7